The following is an entry in ClinVar:

NM_014795.4(ZEB2):c.2131A>G (p.Ser711Gly)

Gene: ZEB2 (zinc finger E-box binding homeobox 2; minus strand). Cytogenetic location: 2q22.3.
Variant type: single nucleotide variant.
Coding change: c.2131A>G on transcript NM_014795.4 (MANE Select); coding-DNA position 2131, A replaced by G.
Protein change: p.Ser711Gly; replaces serine 711 with glycine.
Molecular consequence: missense variant.
Genome position (GRCh38, 1-based): chr2:144,399,056, T>C on the plus strand (A>G on the coding strand, the complement: ZEB2 is on the minus strand). VCF-style: chr2-144399056-T-C. GRCh37 (hg19) VCF-style: chr2-145156623-T-C.
Other names: c.2059A>G, p.Ser687Gly (NM_001171653.2); short protein forms S687G, S711G.
Identifiers: ClinVar variation 1482917 (VCV001482917.6), dbSNP rs2149876821, ClinGen allele CA348708964.
Genomic context (GRCh38, chr2:144,399,056, plus strand): 5'-ACCTGGGTAATAAAGAGTCTTTTGTGGGAGGGTTACTGTTGGGAGCTAACGGCTTGGAGC[T>C]TCTTTCCAGGGATGGGGACCTGGAATTTGAGTACTGGTAGACTTTTCGTTGTTCAAACCA-3'
Protein context (NP_055610.1, residues 701-721): SNSRSPSLER[Ser711Gly]SKPLAPNSNP

ClinVar aggregate classification (germline): Uncertain significance (1 of 4 stars; one submission).

Conditions:
Mowat-Wilson syndrome (MOWS). Also called: Classic Mowat-Wilson Syndrome. Identifiers: Orphanet 2152, MedGen C1856113, MONDO:0009341, OMIM 235730.

Submission:

Labcorp Genetics (formerly Invitae), Labcorp
Classification: Uncertain significance for Mowat-Wilson syndrome. Last evaluated: 2022-06-28. Review status: criteria provided, single submitter. Criteria: Invitae Variant Classification Sherloc (09022015). Collection method: clinical testing. Allele origin: germline.
Comment: This sequence change replaces serine, which is neutral and polar, with glycine, which is neutral and non-polar, at codon 711 of the ZEB2 protein (p.Ser711Gly). This variant is not present in population databases (gnomAD no frequency). This variant has not been reported in the literature in individuals affected with ZEB2-related conditions. Algorithms developed to predict the effect of missense changes on protein structure and function (SIFT, PolyPhen-2, Align-GVGD) all suggest that this variant is likely to be tolerated. In summary, the available evidence is currently insufficient to determine the role of this variant in disease. Therefore, it has been classified as a Variant of Uncertain Significance.